The following is an entry in ClinVar:

ClinVar aggregate classification (germline): Pathogenic/Likely pathogenic. Review status: criteria provided, multiple submitters, no conflicts (2 of 4 stars). 3 submissions from 3 submitters: Pathogenic (1); Likely pathogenic (2). Last evaluated 2025-07-31.

Conditions:
Multiple gastrointestinal atresias. Also called: Multiple intestinal atresia; FAMILIAL INTESTINAL POLYATRESIA SYNDROME. Identifiers: Orphanet 2300, MedGen C0220744, MONDO:0009465.
Gastrointestinal defects and immunodeficiency syndrome 1 (GIDID1). Also called: Combined immunodeficiency-enteropathy spectrum. Identifiers: Orphanet 436252, MedGen C5968858, MONDO:0800030, OMIM 243150.

Allele frequency attached by ClinVar (database versions not stated): gnomAD exomes below 0.00001; TOPMed 0.00001.
gnomAD v4.1: 5 of 1,614,070 alleles (0.00031%); highest among the groups gnomAD compares: Non-Finnish European, 0.00042%; no homozygotes.

Submissions (3):

Labcorp Genetics (formerly Invitae), Labcorp
Classification: Pathogenic for Multiple gastrointestinal atresias. Last evaluated: 2025-07-31. Review status: criteria provided, single submitter. Criteria: Invitae Variant Classification Sherloc (09022015). Collection method: clinical testing. Allele origin: germline.
Comment: This sequence change creates a premature translational stop signal (p.Trp301*) in the TTC7A gene. It is expected to result in an absent or disrupted protein product. Loss-of-function variants in TTC7A are known to be pathogenic (PMID: 23830146, 24292712). This variant is not present in population databases (gnomAD no frequency). This variant has not been reported in the literature in individuals affected with TTC7A-related conditions. ClinVar contains an entry for this variant (Variation ID: 620457). For these reasons, this variant has been classified as Pathogenic.

Department of Pathology and Laboratory Medicine, Sinai Health System
Classification: Likely pathogenic for Gastrointestinal defects and immunodeficiency syndrome 1. Last evaluated: 2023-04-17. Review status: criteria provided, single submitter. Criteria: ACMG Guidelines, 2015. Collection method: research. Allele origin: germline.

GeneDx
Classification: Likely pathogenic. Last evaluated: 2018-11-19. Review status: criteria provided, single submitter. Criteria: GeneDx Variant Classification (06012015). Collection method: clinical testing. Allele origin: germline. Affected: yes.
Comment: The W301X variant in the TTC7A gene has not been reported previously as a pathogenic variant nor as a benign variant, to our knowledge. This variant is predicted to cause loss of normal protein function either through protein truncation or nonsense-mediated mRNA decay. The W301X variant is not observed in large population cohorts (Lek et al., 2016). We interpret W301X as a likely pathogenic variant.

Literature cited by the submitters: PubMed 23830146 (cited by Labcorp Genetics (formerly Invitae), Labcorp); PubMed 24292712 (cited by Labcorp Genetics (formerly Invitae), Labcorp).

NM_020458.4(TTC7A):c.903G>A (p.Trp301Ter)

Gene: TTC7A (tetratricopeptide repeat domain 7A; plus strand). Cytogenetic location: 2p21.
Variant type: single nucleotide variant.
Coding change: c.903G>A on transcript NM_020458.4 (MANE Select); coding-DNA position 903, G replaced by A.
Protein change: p.Trp301Ter; replaces tryptophan 301 with a stop codon.
Molecular consequence: nonsense. On other transcripts: intron variant (1).
Genome position (GRCh38, 1-based): chr2:46,994,416, G>A. VCF-style: chr2-46994416-G-A. GRCh37 (hg19) VCF-style: chr2-47221555-G-A.
Other names: c.903G>A, p.Trp301Ter (LRG_1323t1, NM_001288951.2); c.801G>A, p.Trp267Ter (NM_001288953.2); c.-61-720G>A (NM_001288955.2); short protein forms W301*, W267*.
Identifiers: ClinVar variation 620457 (VCV000620457.3), dbSNP rs989682938, ClinGen allele CA46619105.